The following is an entry in ClinVar:

NM_004859.4(CLTC):c.379G>T (p.Val127Phe)

Gene: CLTC (clathrin heavy chain; plus strand). Cytogenetic location: 17q23.1.
Variant type: single nucleotide variant.
Coding change: c.379G>T on transcript NM_004859.4 (MANE Select); coding-DNA position 379, G replaced by T.
Protein change: p.Val127Phe; replaces valine 127 with phenylalanine.
Molecular consequence: missense variant.
Genome position (GRCh38, 1-based): chr17:59,647,526, G>T. VCF-style: chr17-59647526-G-T. GRCh37 (hg19) VCF-style: chr17-57724887-G-T.
Other names: c.391G>T, p.Val131Phe (NM_001288653.2); short protein forms V131F, V127F.
Identifiers: ClinVar variation 2718905 (VCV002718905.3), dbSNP rs2509361409, ClinGen allele CA400419972.

ClinVar aggregate classification (germline): Uncertain significance (1 of 4 stars; one submission).

gnomAD v4.1: 1 of 1,614,148 alleles (0.000062%); no homozygotes.

Submission:

Labcorp Genetics (formerly Invitae), Labcorp
Classification: Uncertain significance. Last evaluated: 2023-06-18. Review status: criteria provided, single submitter. Criteria: Invitae Variant Classification Sherloc (09022015). Collection method: clinical testing. Allele origin: germline.
Comment: In summary, the available evidence is currently insufficient to determine the role of this variant in disease. Therefore, it has been classified as a Variant of Uncertain Significance. Advanced modeling of protein sequence and biophysical properties (such as structural, functional, and spatial information, amino acid conservation, physicochemical variation, residue mobility, and thermodynamic stability) performed at Invitae indicates that this missense variant is expected to disrupt CLTC protein function. This variant has not been reported in the literature in individuals affected with CLTC-related conditions. This variant is not present in population databases (gnomAD no frequency). This sequence change replaces valine, which is neutral and non-polar, with phenylalanine, which is neutral and non-polar, at codon 131 of the CLTC protein (p.Val131Phe).